The following is an entry in ClinVar:

ClinVar aggregate classification (germline): Uncertain significance (1 of 4 stars; one submission).

Conditions:
3-methylglutaconic aciduria, type VIIB (MGCA7B). Also called: CLPB Deficiency; 3-methylglutaconic aciduria with cataracts, neurologic involvement and neutropenia; 3-methylglutaconic aciduria, type VII, with cataracts, neurologic involvement and neutropenia. Identifiers: Orphanet 445038, MedGen C5676893, MONDO:0014561, OMIM 616271.

gnomAD v4.1: 1 of 1,609,658 alleles (0.000062%); no homozygotes.

Submission:

Labcorp Genetics (formerly Invitae), Labcorp
Classification: Uncertain significance for 3-methylglutaconic aciduria, type VIIB. Last evaluated: 2022-04-22. Review status: criteria provided, single submitter. Criteria: Invitae Variant Classification Sherloc (09022015). Collection method: clinical testing. Allele origin: germline.
Comment: This variant is present in population databases (no rsID available, gnomAD 0.01%). This sequence change replaces aspartic acid, which is acidic and polar, with asparagine, which is neutral and polar, at codon 135 of the CLPB protein (p.Asp135Asn). This variant also falls at the last nucleotide of exon 1, which is part of the consensus splice site for this exon. In summary, the available evidence is currently insufficient to determine the role of this variant in disease. Therefore, it has been classified as a Variant of Uncertain Significance. Variants that disrupt the consensus splice site are a relatively common cause of aberrant splicing (PMID: 17576681, 9536098). Algorithms developed to predict the effect of sequence changes on RNA splicing suggest that this variant may disrupt the consensus splice site. This variant has not been reported in the literature in individuals affected with CLPB-related conditions. Algorithms developed to predict the effect of missense changes on protein structure and function (SIFT, PolyPhen-2, Align-GVGD) all suggest that this variant is likely to be tolerated.

Literature cited by the submitters: PubMed 17576681; PubMed 9536098.

NM_001258392.3(CLPB):c.403G>A (p.Asp135Asn)

Gene: CLPB (ClpB family mitochondrial disaggregase; minus strand). Cytogenetic location: 11q13.4.
Variant type: single nucleotide variant.
Coding change: c.403G>A on transcript NM_001258392.3 (MANE Select); coding-DNA position 403, G replaced by A.
Protein change: p.Asp135Asn; replaces aspartic acid 135 with asparagine.
Molecular consequence: missense variant.
Genome position (GRCh38, 1-based): chr11:72,434,072, C>T on the plus strand (G>A on the coding strand, the complement: CLPB is on the minus strand). VCF-style: chr11-72434072-C-T. GRCh37 (hg19) VCF-style: chr11-72145116-C-T.
Other names: c.403G>A, p.Asp135Asn (NM_001258393.3, NM_030813.6); c.161G>A, p.Gly54Glu (NM_001258394.3); short protein forms G54E, D135N.
Identifiers: ClinVar variation 1898409 (VCV001898409.5), dbSNP rs1252271527, ClinGen allele CA381962747.
Genomic context (GRCh38, chr11:72,434,072, plus strand): 5'-ATACGAAGTTAGGACAATCTTCCCGCCTCTCCCTTCCTCAAACCCAGATCTCATAATCAC[C>T]CTTGTTGGACGGACTCTTGCTGTAGCAATGAACCACCAGCGCTGCGGCCAGGGCGCACAT-3'
Protein context (NP_001245321.1, residues 125-145): HCYSKSPSNK[Asp135Asn]AALLEAARAN